The following is an entry in ClinVar:

NM_004260.4(RECQL4):c.323G>A (p.Arg108Gln)

Gene: RECQL4 (RecQ like helicase 4; minus strand). Cytogenetic location: 8q24.3.
Variant type: single nucleotide variant.
Coding change: c.323G>A on transcript NM_004260.4 (MANE Select); coding-DNA position 323, G replaced by A.
Protein change: p.Arg108Gln; replaces arginine 108 with glutamine.
Molecular consequence: missense variant.
Genome position (GRCh38, 1-based): chr8:144,517,081, C>T on the plus strand (G>A on the coding strand, the complement: RECQL4 is on the minus strand). VCF-style: chr8-144517081-C-T. GRCh37 (hg19) VCF-style: chr8-145742465-C-T.
Other names: short protein forms R108Q.
Identifiers: ClinVar variation 855195 (VCV000855195.2), dbSNP rs750502685, ClinGen allele CA4949378.

ClinVar aggregate classification (germline): Uncertain significance. Review status: criteria provided, multiple submitters, no conflicts (2 of 4 stars). 2 submissions from 2 submitters: Uncertain significance (2). Last evaluated 2025-04-13.

Conditions:
Baller-Gerold syndrome (BGS). Also called: CRANIOSYNOSTOSIS WITH RADIAL DEFECTS. Identifiers: Orphanet 1225, MedGen C0265308, MONDO:0009039, OMIM 218600.
Inborn genetic diseases. Identifiers: MedGen C0950123, MeSH D030342.

Allele frequency attached by ClinVar (database versions not stated): gnomAD exomes below 0.00001; TOPMed below 0.00001; ExAC 0.00001.
gnomAD v4.1: 5 of 1,612,226 alleles (0.00031%); highest among the groups gnomAD compares: Admixed American, 0.0017%; no homozygotes.

Submissions (2):

Ambry Genetics
Classification: Uncertain significance for Inborn genetic diseases. Last evaluated: 2025-04-13. Review status: criteria provided, single submitter. Criteria: Ambry Variant Classification Scheme 2023. Collection method: clinical testing. Allele origin: germline.
Comment: The p.R108Q variant (also known as c.323G>A), located in coding exon 4 of the RECQL4 gene, results from a G to A substitution at nucleotide position 323. The arginine at codon 108 is replaced by glutamine, an amino acid with highly similar properties. This amino acid position is conserved. In addition, the in silico prediction for this alteration is inconclusive. Based on the available evidence, the clinical significance of this variant remains unclear.

Labcorp Genetics (formerly Invitae), Labcorp
Classification: Uncertain significance for Baller-Gerold syndrome. Last evaluated: 2019-02-23. Review status: criteria provided, single submitter. Criteria: Invitae Variant Classification Sherloc (09022015). Collection method: clinical testing. Allele origin: germline.
Comment: This sequence change replaces arginine with glutamine at codon 108 of the RECQL4 protein (p.Arg108Gln). The arginine residue is highly conserved and there is a small physicochemical difference between arginine and glutamine. This variant is present in population databases (rs750502685, ExAC 0.002%). This variant has not been reported in the literature in individuals with RECQL4-related conditions. Algorithms developed to predict the effect of missense changes on protein structure and function are either unavailable or do not agree on the potential impact of this missense change (SIFT: "Tolerated"; PolyPhen-2: "Not Available"; Align-GVGD: "Class C0"). In summary, the available evidence is currently insufficient to determine the role of this variant in disease. Therefore, it has been classified as a Variant of Uncertain Significance.